The following is an entry in ClinVar:

ClinVar aggregate classification (germline): Uncertain significance (1 of 4 stars; one submission).

gnomAD v4.1: 7 of 1,210,435 alleles (0.00058%); highest among the groups gnomAD compares: South Asian, 0.0018%; no homozygotes.

Submission:

OLLIN Analises Genomicas, OLLIN
Classification: Uncertain significance. Last evaluated: 2026-08-06. Review status: criteria provided, single submitter. Criteria: ACMG Guidelines 2015 PMID 25741868. Collection method: clinical testing. Allele origin: germline.
Comment: This missense variant, located in exon 5 (of 15), has been observed in gnomAD with an allele frequency of 0.00058%, but has not been reported in ClinVar or identified in the literature. In silico analysis predicts that this variant has a tolerated effect. This gene is constrained for missense variation. According to the currently available evidence, this variant has been classified as uncertain significance (PM2_P, PP2, BP4).

NM_001111125.3(IQSEC2):c.1810G>A (p.Val604Met)

Gene: IQSEC2 (IQ motif and Sec7 domain ArfGEF 2; minus strand). Cytogenetic location: Xp11.22.
Variant type: single nucleotide variant.
Coding change: c.1810G>A on transcript NM_001111125.3 (MANE Select); coding-DNA position 1810, G replaced by A.
Protein change: p.Val604Met; replaces valine 604 with methionine.
Molecular consequence: missense variant.
Genome position (GRCh38, 1-based): chrX:53,250,766, C>T on the plus strand (G>A on the coding strand, the complement: IQSEC2 is on the minus strand). VCF-style: chrX-53250766-C-T. GRCh37 (hg19) VCF-style: chrX-53279948-C-T.
Other names: c.1810G>A, p.Val604Met (NM_001410736.1, NM_001441092.1); c.1312G>A, p.Val438Met (NM_001441093.1); c.1099G>A, p.Val367Met (NM_001441094.1, NM_001441095.1); c.1195G>A, p.Val399Met (NM_015075.2); short protein forms V367M, V399M, V438M, V604M.
Identifiers: ClinVar variation 5002999 (VCV005002999.1).